The following is an entry in ClinVar:

ClinVar aggregate classification (germline): Uncertain significance (1 of 4 stars; one submission).

Conditions:
RPGRIP1L-related disorder. Also called: RPGRIP1L-related disorders; RPGRIP1L-related condition. Identifiers: MedGen CN239416.

gnomAD v4.1: 9 of 702,554 alleles (0.0013%); highest among the groups gnomAD compares: Non-Finnish European, 0.0023%; no homozygotes.

Submission:

PreventionGenetics, part of Exact Sciences
Classification: Uncertain significance for RPGRIP1L-related condition. Last evaluated: 2025-12-19. Review status: criteria provided, single submitter. Criteria: ACMG Guidelines, 2015. Collection method: clinical testing. Allele origin: germline.
Comment: The RPGRIP1L c.275T>A variant is predicted to result in the amino acid substitution p.Val92Asp. To our knowledge, this variant has not been reported in the literature or in a large population database (gnomAD), indicating this variant is rare. At this time, the clinical significance of this variant is uncertain due to the absence of conclusive functional and genetic evidence.

NM_015272.5(RPGRIP1L):c.230+737T>A

Gene: RPGRIP1L (RPGRIP1 like; minus strand). Cytogenetic location: 16q12.2.
Variant type: single nucleotide variant.
Coding change: c.230+737T>A on transcript NM_015272.5 (MANE Select); 737 bases into the intron after coding-DNA position 230, T replaced by A.
Molecular consequence: intron variant. On other transcripts: missense variant (1).
Genome position (GRCh38, 1-based): chr16:53,695,414, A>T on the plus strand (T>A on the coding strand, the complement: RPGRIP1L is on the minus strand). VCF-style: chr16-53695414-A-T. GRCh37 (hg19) VCF-style: chr16-53729326-A-T.
Other names: c.275T>A, p.Val92Asp (NM_001328422.2); c.230+737T>A (NM_001127897.4, NM_001330538.2, NM_001308334.3); short protein forms V92D.
Identifiers: ClinVar variation 4993355 (VCV004993355.1).